The following is an entry in ClinVar:

NM_000548.5(TSC2):c.1443+11_1443+12delinsTT

Gene: TSC2 (TSC complex subunit 2; plus strand). Cytogenetic location: 16p13.3.
Variant type: Indel.
Coding change: c.1443+11_1443+12delinsTT on transcript NM_000548.5 (MANE Select); bases 11 to 12 of the intron after coding-DNA position 1443, AG replaced by TT.
Molecular consequence: intron variant.
Genome position (GRCh38, 1-based): chr16:2,063,064-2,063,065, AG replaced by TT. VCF-style: chr16-2063064-AG-TT. GRCh37 (hg19) VCF-style: chr16-2113065-AG-TT.
Other names: c.1443+11_1443+12delinsTT (NM_001114382.3, NM_021055.3, NM_001370405.1 and 3 more transcripts); c.1332+11_1332+12delinsTT (NM_001318827.2); c.843+11_843+12delinsTT (NM_001318831.2); c.1296+11_1296+12delinsTT (NM_001318829.2); c.1476+11_1476+12delinsTT (NM_001318832.2).
Identifiers: ClinVar variation 2027424 (VCV002027424.4), dbSNP rs2548555327, ClinGen allele CA2580090773.

ClinVar aggregate classification (germline): Uncertain significance (1 of 4 stars; one submission).

Conditions:
Tuberous sclerosis 2 (TSC2). Identifiers: Orphanet 805, MedGen C1860707, MONDO:0013199, OMIM 613254.

Submission:

Labcorp Genetics (formerly Invitae), Labcorp
Classification: Uncertain significance for Tuberous sclerosis 2. Last evaluated: 2022-09-01. Review status: criteria provided, single submitter. Criteria: Invitae Variant Classification Sherloc (09022015). Collection method: clinical testing. Allele origin: germline.
Comment: Experimental studies and prediction algorithms are not available or were not evaluated, and the effect of this variant on mRNA splicing is currently unknown. This variant has not been reported in the literature in individuals affected with TSC2-related conditions. Information on the frequency of this variant in the gnomAD database is not available, as this variant may be reported differently in the database. This sequence change falls in intron 14 of the TSC2 gene. It does not directly change the encoded amino acid sequence of the TSC2 protein. In summary, the available evidence is currently insufficient to determine the role of this variant in disease. Therefore, it has been classified as a Variant of Uncertain Significance.